The following is an entry in ClinVar:

ClinVar aggregate classification (germline): Uncertain significance. Review status: criteria provided, multiple submitters, no conflicts (2 of 4 stars). 2 submissions from 2 submitters: Uncertain significance (2). Last evaluated 2025-12-29.

Conditions:
Fanconi anemia (FA). Also called: Fanconi's anemia. Identifiers: Orphanet 84, MedGen C0015625, MeSH D005199, MONDO:0019391.
Hereditary cancer-predisposing syndrome. Also called: Tumor predisposition; Neoplastic Syndromes, Hereditary; Hereditary Cancer Syndrome; Hereditary neoplastic syndrome. Identifiers: Orphanet 140162, MedGen C0027672, MeSH D009386, MONDO:0015356.

Submissions (2):

Ambry Genetics
Classification: Uncertain significance for Hereditary cancer-predisposing syndrome. Last evaluated: 2025-12-29. Review status: criteria provided, single submitter. Criteria: Ambry Variant Classification Scheme 2023. Collection method: clinical testing. Allele origin: germline.
Comment: The p.I276T variant (also known as c.827T>C), located in coding exon 7 of the FANCC gene, results from a T to C substitution at nucleotide position 827. The isoleucine at codon 276 is replaced by threonine, an amino acid with similar properties. This amino acid position is conserved. In addition, this alteration is predicted to be tolerated by in silico analysis. Based on the available evidence, the clinical significance of this variant remains unclear.

Labcorp Genetics (formerly Invitae), Labcorp
Classification: Uncertain significance for Fanconi anemia. Last evaluated: 2023-10-18. Review status: criteria provided, single submitter. Criteria: Invitae Variant Classification Sherloc (09022015). Collection method: clinical testing. Allele origin: germline.
Comment: This sequence change replaces isoleucine, which is neutral and non-polar, with threonine, which is neutral and polar, at codon 276 of the FANCC protein (p.Ile276Thr). This variant is not present in population databases (gnomAD no frequency). This variant has not been reported in the literature in individuals affected with FANCC-related conditions. Advanced modeling of protein sequence and biophysical properties (such as structural, functional, and spatial information, amino acid conservation, physicochemical variation, residue mobility, and thermodynamic stability) performed at Invitae indicates that this missense variant is not expected to disrupt FANCC protein function. In summary, the available evidence is currently insufficient to determine the role of this variant in disease. Therefore, it has been classified as a Variant of Uncertain Significance.

NM_000136.3(FANCC):c.827T>C (p.Ile276Thr)

Genes: AOPEP (aminopeptidase O (putative); plus strand), FANCC (FA complementation group C; minus strand). Cytogenetic location: 9q22.32.
Variant type: single nucleotide variant.
Coding change: c.827T>C on transcript NM_000136.3 (MANE Select); coding-DNA position 827, T replaced by C.
Protein change: p.Ile276Thr; replaces isoleucine 276 with threonine.
Molecular consequence: missense variant.
Genome position (GRCh38, 1-based): chr9:95,135,362, A>G on the plus strand (T>C on the coding strand, the complement: FANCC is on the minus strand). VCF-style: chr9-95135362-A-G. GRCh37 (hg19) VCF-style: chr9-97897644-A-G.
Other names: c.827T>C, p.Ile276Thr (NM_001243743.2, NM_001243744.2); short protein forms I276T.
Identifiers: ClinVar variation 2785117 (VCV002785117.4), dbSNP rs2541398710, ClinGen allele CA374109201.